The following is an entry in ClinVar:

NM_004408.4(DNM1):c.235+8C>T

Genes: DNM1 (dynamin 1; plus strand), LOC113839516 (Sharpr-MPRA regulatory region 8497; plus strand). Cytogenetic location: 9q34.11.
Variant type: single nucleotide variant.
Coding change: c.235+8C>T on transcript NM_004408.4 (MANE Select); 8 bases into the intron after coding-DNA position 235, C replaced by T.
Molecular consequence: intron variant.
Genome position (GRCh38, 1-based): chr9:128,218,312, C>T. VCF-style: chr9-128218312-C-T. GRCh37 (hg19) VCF-style: chr9-130980591-C-T.
Other names: c.235+8C>T (NM_001005336.3, NM_001288738.2, NM_001288737.2 and 1 more transcripts).
Identifiers: ClinVar variation 493492 (VCV000493492.53), dbSNP rs370555560, ClinGen allele CA5257753.
Genomic context (GRCh38, chr9:128,218,312, plus strand): 5'-TGGCATTGTCACCCGACGTCCCCTGGTCTTGCAGCTGGTCAATGCAACCACAGGTACGTG[C>T]CCTCCTTCACCAGCAGCCAGGCCTGCCCACTCCAGCCTCTCCCCCGTCCCCAAGCTGAGG-3'

ClinVar aggregate classification (germline): Likely benign. Review status: criteria provided, multiple submitters, no conflicts (2 of 4 stars). 3 submissions from 3 submitters: Likely benign (2). 1 of the submissions does not count toward it. Last evaluated 2025-08-09.

Conditions:
DNM1-related disorder. Also called: DNM1-related condition.
Developmental and epileptic encephalopathy, 31A. Also called: Developmental and epileptic encephalopathy, 31; Epileptic encephalopathy, early infantile, 31. Identifiers: Orphanet 2382, MedGen C4225357, MONDO:0014598, OMIM 616346.

Allele frequency attached by ClinVar (database versions not stated): ExAC 0.00009; gnomAD exomes 0.00010 and 0.00015; TOPMed 0.00014; ESP Exome Variant Server 0.00015; gnomAD 0.00020 and 0.00021.
gnomAD v4.1: 243 of 1,613,888 alleles (0.015%); highest among the groups gnomAD compares: Non-Finnish European, 0.019%; no homozygotes.

Submissions (3):

Labcorp Genetics (formerly Invitae), Labcorp
Classification: Likely benign for Developmental and epileptic encephalopathy, 31A. Last evaluated: 2025-08-09. Review status: criteria provided, single submitter. Criteria: Invitae Variant Classification Sherloc (09022015). Collection method: clinical testing. Allele origin: germline.

CeGaT Center for Human Genetics Tuebingen
Classification: Likely benign. Last evaluated: 2019-09-01. Review status: criteria provided, single submitter. Criteria: CeGaT Center For Human Genetics Tuebingen Variant Classification Criteria Version 2. Collection method: clinical testing. Allele origin: germline. Affected: yes. Observed: 3 variant alleles.

PreventionGenetics, part of Exact Sciences
Classification: Likely benign for DNM1-related condition. Last evaluated: 2023-04-09. Review status: no assertion criteria provided. Collection method: clinical testing. Allele origin: germline. Not counted in ClinVar's aggregate classification.
Comment: This variant is classified as likely benign based on ACMG/AMP sequence variant interpretation guidelines (Richards et al. 2015 PMID: 25741868, with internal and published modifications).